The following is an entry in ClinVar:

NM_000238.4(KCNH2):c.1128+6C>T

Gene: KCNH2 (potassium voltage-gated channel subfamily H member 2; minus strand). Cytogenetic location: 7q36.1.
Variant type: single nucleotide variant.
Coding change: c.1128+6C>T on transcript NM_000238.4 (MANE Select); 6 bases into the intron after coding-DNA position 1128, C replaced by T.
Molecular consequence: intron variant.
Genome position (GRCh38, 1-based): chr7:150,957,285, G>A on the plus strand (C>T on the coding strand, the complement: KCNH2 is on the minus strand). VCF-style: chr7-150957285-G-A. GRCh37 (hg19) VCF-style: chr7-150654373-G-A.
Other names: c.840+6C>T (NM_001406753.1, NM_001406756.1); c.1128+6C>T (NM_172056.3); c.951+6C>T (NM_001406755.1); c.828+6C>T (NM_001406757.1).
Identifiers: ClinVar variation 839128 (VCV000839128.13), dbSNP rs746127862, ClinGen allele CA027120.
Genomic context (GRCh38, chr7:150,957,285, plus strand): 5'-GCCCACTCCCACCCCCTCTCCAAGCTCCTCCAAGGTGAGAGGAGAGCCCGGCCGCTGGGC[G>A]CCTACCTGGGTGACCTTCTCAGTGACATTGTGGGTTCGCTCCTTTATCTTAGGTGCTATG-3'

ClinVar aggregate classification (germline): Conflicting classifications of pathogenicity. Review status: criteria provided, conflicting classifications (1 of 4 stars). 2 submissions from 2 submitters: Uncertain significance (1); Likely benign (1). Last evaluated 2024-11-11.

Conditions:
Cardiac arrhythmia. Also called: Arrhythmia; Cardiac rhythm disease. Identifiers: MedGen C0003811, MONDO:0007263, HP:0011675.
Long QT syndrome (LQTS). Identifiers: MedGen C0023976, MeSH D008133, MONDO:0002442. Disease mechanism: loss of function. Inheritance: Various modes of inheritance.

Allele frequency attached by ClinVar (database versions not stated): TOPMed 0.00001; gnomAD exomes 0.00002; ExAC 0.00004.
gnomAD v4.1: 22 of 1,560,810 alleles (0.0014%); highest among the groups gnomAD compares: East Asian, 0.0072%; no homozygotes.

Submissions (2):

Labcorp Genetics (formerly Invitae), Labcorp
Classification: Uncertain significance for Long QT syndrome. Last evaluated: 2024-11-11. Review status: criteria provided, single submitter. Criteria: Invitae Variant Classification Sherloc (09022015). Collection method: clinical testing. Allele origin: germline.
Comment: This sequence change falls in intron 5 of the KCNH2 gene. It does not directly change the encoded amino acid sequence of the KCNH2 protein. It affects a nucleotide within the consensus splice site. The frequency data for this variant in the population databases is considered unreliable, as metrics indicate poor data quality at this position in the gnomAD database. This variant has been observed in individual(s) with clinical features of long QT syndrome (internal data). ClinVar contains an entry for this variant (Variation ID: 839128). Variants that disrupt the consensus splice site are a relatively common cause of aberrant splicing (PMID: 17576681, 9536098). Algorithms developed to predict the effect of sequence changes on RNA splicing suggest that this variant is not likely to affect RNA splicing. In summary, the available evidence is currently insufficient to determine the role of this variant in disease. Therefore, it has been classified as a Variant of Uncertain Significance.

Color Diagnostics, LLC DBA Color Health
Classification: Likely benign for Arrhythmia. Last evaluated: 2020-03-05. Review status: criteria provided, single submitter. Criteria: ACMG Guidelines, 2015. Collection method: clinical testing. Allele origin: germline.

Literature cited by the submitters: PubMed 17576681 (cited by Labcorp Genetics (formerly Invitae), Labcorp); PubMed 9536098 (cited by Labcorp Genetics (formerly Invitae), Labcorp).